The following is an entry in ClinVar:

NM_000334.4(SCN4A):c.3263dup (p.Phe1089fs)

Genes: GH-LCR (growth hormone locus control region; plus strand), SCN4A (sodium voltage-gated channel alpha subunit 4; minus strand). Cytogenetic location: 17q23.3.
Variant type: Duplication.
Coding change: c.3263dup on transcript NM_000334.4 (MANE Select); coding-DNA position 3263, one base duplicated (G; older notation c.3263dupG).
Protein change: p.Phe1089fs; shifts the reading frame from phenylalanine 1089.
Molecular consequence: frameshift variant.
Genome position (GRCh38, 1-based): chr17:63,947,945, C duplicated on the plus strand (G on the coding strand, the reverse complement: SCN4A is on the minus strand); the first of 2 consecutive C bases (chr17:63,947,945-63,947,946); duplicating either gives the same sequence. VCF-style (leftmost placement, unchanged base first): chr17-63947944-G-GC. GRCh37 (hg19) VCF-style: chr17-62025304-G-GC.
Other names: short protein forms F1089fs.
Identifiers: ClinVar variation 1363699 (VCV001363699.6), dbSNP rs2144782598, ClinGen allele CA2573154601.

ClinVar aggregate classification (germline): Pathogenic (1 of 4 stars; one submission).

Conditions:
Hyperkalemic periodic paralysis. Also called: Familial hyperkalemic periodic paralysis; Gamstorp disease. Identifiers: Orphanet 682, MedGen C0238357, MONDO:0008224, OMIM 170500, HP:0007215.

Submission:

Labcorp Genetics (formerly Invitae), Labcorp
Classification: Pathogenic for Hyperkalemic periodic paralysis. Last evaluated: 2022-03-18. Review status: criteria provided, single submitter. Criteria: Invitae Variant Classification Sherloc (09022015). Collection method: clinical testing. Allele origin: germline.
Comment: For these reasons, this variant has been classified as Pathogenic. This variant has not been reported in the literature in individuals affected with SCN4A-related conditions. This variant is not present in population databases (gnomAD no frequency). This sequence change creates a premature translational stop signal (p.Phe1089Leufs*2) in the SCN4A gene. It is expected to result in an absent or disrupted protein product. Loss-of-function variants in SCN4A are known to be pathogenic (PMID: 26700687).

Literature cited by the submitters: PubMed 26700687.